The following is an entry in ClinVar:

NM_001372.4(DNAH9):c.9349A>G (p.Lys3117Glu)

Gene: DNAH9 (dynein axonemal heavy chain 9; plus strand). Cytogenetic location: 17p12.
Variant type: single nucleotide variant.
Coding change: c.9349A>G on transcript NM_001372.4 (MANE Select); coding-DNA position 9349, A replaced by G.
Protein change: p.Lys3117Glu; replaces lysine 3117 with glutamic acid.
Molecular consequence: missense variant.
Genome position (GRCh38, 1-based): chr17:11,834,740, A>G. VCF-style: chr17-11834740-A-G. GRCh37 (hg19) VCF-style: chr17-11738057-A-G.
Other names: short protein forms K3117E.
Identifiers: ClinVar variation 4700852 (VCV004700852.1).

ClinVar aggregate classification (germline): Uncertain significance (1 of 4 stars; one submission).

gnomAD v4.1: 57 of 1,614,002 alleles (0.0035%); highest among the groups gnomAD compares: East Asian, 0.12%; no homozygotes.

Submission:

Labcorp Genetics (formerly Invitae), Labcorp
Classification: Uncertain significance. Last evaluated: 2025-03-25. Review status: criteria provided, single submitter. Criteria: Invitae Variant Classification Sherloc (09022015). Collection method: clinical testing. Allele origin: germline.
Comment: This sequence change replaces lysine, which is basic and polar, with glutamic acid, which is acidic and polar, at codon 3117 of the DNAH9 protein (p.Lys3117Glu). This variant is present in population databases (rs747105467, gnomAD 0.006%). This variant has not been reported in the literature in individuals affected with DNAH9-related conditions. Invitae Evidence Modeling of protein sequence and biophysical properties (such as structural, functional, and spatial information, amino acid conservation, physicochemical variation, residue mobility, and thermodynamic stability) indicates that this missense variant is not expected to disrupt DNAH9 protein function with a negative predictive value of 80%. In summary, the available evidence is currently insufficient to determine the role of this variant in disease. Therefore, it has been classified as a Variant of Uncertain Significance.